The following is an entry in ClinVar:

ClinVar aggregate classification (germline): Conflicting classifications of pathogenicity. Review status: criteria provided, conflicting classifications (1 of 4 stars). 4 submissions from 4 submitters: Uncertain significance (2); Likely benign (1). 1 of the submissions does not count toward it. Last evaluated 2026-01-19.

Conditions:
Hereditary spastic paraplegia 48. Also called: SPASTIC PARAPLEGIA 48, AUTOSOMAL RECESSIVE; Spastic paraplegia 48. Identifiers: Orphanet 306511, MedGen C3150901, MONDO:0013342, OMIM 613647.
AP5Z1-related disorder. Also called: AP5Z1-related condition.

Allele frequency attached by ClinVar (database versions not stated): gnomAD 0.00007 and 0.00009; gnomAD exomes 0.00017 and 0.00072; TOPMed 0.00037; ExAC 0.00068.
gnomAD v4.1: 254 of 1,606,088 alleles (0.016%); highest among the groups gnomAD compares: Admixed American, 0.33%; 2 homozygotes.

Submissions (4):

Labcorp Genetics (formerly Invitae), Labcorp
Classification: Likely benign for Hereditary spastic paraplegia 48. Last evaluated: 2026-01-19. Review status: criteria provided, single submitter. Criteria: Invitae Variant Classification Sherloc (09022015). Collection method: clinical testing. Allele origin: germline.

Athena Diagnostics
Classification: Uncertain significance. Last evaluated: 2018-04-24. Review status: criteria provided, single submitter. Criteria: Athena Diagnostics Criteria. Collection method: clinical testing. Allele origin: germline.

Illumina Laboratory Services, Illumina
Classification: Uncertain significance for Hereditary spastic paraplegia 48. Last evaluated: 2018-01-12. Review status: criteria provided, single submitter. Criteria: ICSL Variant Classification Criteria 13 December 2019. Collection method: clinical testing. Allele origin: germline.

PreventionGenetics, part of Exact Sciences
Classification: Likely benign for AP5Z1-related condition. Last evaluated: 2023-12-13. Review status: no assertion criteria provided. Collection method: clinical testing. Allele origin: germline. Not counted in ClinVar's aggregate classification.
Comment: This variant is classified as likely benign based on ACMG/AMP sequence variant interpretation guidelines (Richards et al. 2015 PMID: 25741868, with internal and published modifications).

NM_014855.3(AP5Z1):c.259G>A (p.Ala87Thr)

Gene: AP5Z1 (adaptor related protein complex 5 subunit zeta 1; plus strand). Cytogenetic location: 7p22.1.
Variant type: single nucleotide variant.
Coding change: c.259G>A on transcript NM_014855.3 (MANE Select); coding-DNA position 259, G replaced by A.
Protein change: p.Ala87Thr; replaces alanine 87 with threonine.
Molecular consequence: missense variant. On other transcripts: non-coding transcript variant (1), intron variant (1).
Genome position (GRCh38, 1-based): chr7:4,781,647, G>A. VCF-style: chr7-4781647-G-A. GRCh37 (hg19) VCF-style: chr7-4821278-G-A.
Other names: c.259G>A, p.Ala87Thr (LRG_1247t1); c.-103+335G>A (NM_001364858.1); short protein forms A87T.
Identifiers: ClinVar variation 360305 (VCV000360305.15), dbSNP rs775883752, ClinGen allele CA4137124.